The following is an entry in ClinVar:

ClinVar aggregate classification (germline): Pathogenic (1 of 4 stars; one submission).

Submission:

Labcorp Genetics (formerly Invitae), Labcorp
Classification: Pathogenic. Last evaluated: 2022-05-04. Review status: criteria provided, single submitter. Criteria: Invitae Variant Classification Sherloc (09022015). Collection method: clinical testing. Allele origin: germline.
Comment: For these reasons, this variant has been classified as Pathogenic. This variant has not been reported in the literature in individuals affected with TAB2-related conditions. This variant is not present in population databases (gnomAD no frequency). This sequence change creates a premature translational stop signal (p.Gly234Leufs*10) in the TAB2 gene. It is expected to result in an absent or disrupted protein product. Loss-of-function variants in TAB2 are known to be pathogenic (PMID: 28386937, 31250519).

Literature cited by the submitters: PubMed 28386937; PubMed 31250519.

NM_001292034.3(TAB2):c.698_699dup (p.Gly234fs)

Genes: TAB2 (TGF-beta activated kinase 1 (MAP3K7) binding protein 2; plus strand), LOC126859827 (BRD4-independent group 4 enhancer GRCh37_chr6:149699707-149700906; plus strand). Cytogenetic location: 6q25.1.
Variant type: Duplication.
Coding change: c.698_699dup on transcript NM_001292034.3 (MANE Select); coding-DNA positions 698 to 699, 2 bases duplicated (CT; older notation c.698_699dupCT).
Protein change: p.Gly234fs; shifts the reading frame from glycine 234.
Molecular consequence: frameshift variant.
Genome position (GRCh38, 1-based): chr6:149,378,613-149,378,614, CT duplicated; duplicating any 2 consecutive bases within chr6:149,378,612-149,378,614 gives the same sequence; the c. name uses the placement nearest the transcript's 3' end. VCF-style (leftmost placement, unchanged base first): chr6-149378611-T-TTC. GRCh37 (hg19) VCF-style: chr6-149699747-T-TTC.
Other names: c.602_603dup, p.Gly202fs (NM_001292035.3); c.698_699dup, p.Gly234fs (NM_001369506.1, NM_015093.6); short protein forms G234fs, G202fs.
Identifiers: ClinVar variation 2088989 (VCV002088989.4), dbSNP rs2483388628, ClinGen allele CA2580075193.